The following is an entry in ClinVar:

NM_001283009.2(RTEL1):c.691G>T (p.Asp231Tyr)

Genes: RTEL1 (regulator of telomere elongation helicase 1; plus strand), RTEL1-TNFRSF6B (RTEL1-TNFRSF6B readthrough (NMD candidate); plus strand). Cytogenetic location: 20q13.33.
Variant type: single nucleotide variant.
Coding change: c.691G>T on transcript NM_001283009.2 (MANE Select); coding-DNA position 691, G replaced by T.
Protein change: p.Asp231Tyr; replaces aspartic acid 231 with tyrosine.
Molecular consequence: missense variant. On other transcripts: non-coding transcript variant (1).
Genome position (GRCh38, 1-based): chr20:63,667,545, G>T. VCF-style: chr20-63667545-G-T. GRCh37 (hg19) VCF-style: chr20-62298898-G-T.
Other names: c.22G>T, p.Asp8Tyr (NM_001283010.1); c.691G>T, p.Asp231Tyr (NM_016434.4); c.763G>T, p.Asp255Tyr (NM_032957.5); short protein forms D231Y, D255Y, D8Y.
Identifiers: ClinVar variation 1700686 (VCV001700686.2), dbSNP rs2517017153, ClinGen allele CA409670795.

ClinVar aggregate classification (germline): Likely pathogenic (1 of 4 stars; one submission).

Conditions:
Action myoclonus-renal failure syndrome. Also called: SCARB2-Related Action Myoclonus-Renal Failure Syndrome; MYOCLONUS-NEPHROPATHY SYNDROME; EPILEPSY, PROGRESSIVE MYOCLONIC, 4, WITH RENAL FAILURE; EPILEPSY, PROGRESSIVE MYOCLONIC, 4, WITHOUT RENAL FAILURE. Identifiers: Orphanet 163696, MedGen C0751779, MeSH D020191, MONDO:0009699, OMIM 254900.

Submission:

Department of Cell and Molecular Biology, Manipal School of Life Sciences, Manipal Academy of Higher Education
Classification: Likely pathogenic for Action myoclonus-renal failure syndrome. Review status: criteria provided, single submitter. Criteria: ACMG Guidelines, 2015. Collection method: research. Allele origin: germline. Inheritance: Autosomal recessive inheritance. Affected: yes. Observed: 2 homozygotes.
Comment: An idiopathic familial case of two siblings with PMEs phenotype born to healthy couple of 2° consanguineous marriage were examined in detail. Differential diagnosis based on the phenotypes and the molecular analysis exclude the known genetic basis for the phenotype. Whole exome sequencing report a novel homozygous mutation in RTEL1 (c.691G>T:p.D231Y) common to both cases while parents were heterozygous for variant. Various computational tools for pathogenicity prediction suggest deleterious effect of the variant on protein function. The identified variant is novel and has not been previously associated with any disease phenotype. The mutation in RTEL1 lies in the helicase domain of protein, which is important for its helicase activity.